The following is an entry in ClinVar:

ClinVar aggregate classification (germline): Uncertain significance. Review status: criteria provided, multiple submitters, no conflicts (2 of 4 stars). 2 submissions from 2 submitters: Uncertain significance (2). Last evaluated 2024-06-01.

Conditions:
Developmental and epileptic encephalopathy 94 (DEE94). Also called: Epileptic encephalopathy, childhood-onset; CHD2-Related Neurodevelopmental Disorders. Identifiers: Orphanet 1942, Orphanet 2382, MedGen C3809278, MONDO:0014150, OMIM 615369.

Submissions (2):

CeGaT Center for Human Genetics Tuebingen
Classification: Uncertain significance. Last evaluated: 2024-06-01. Review status: criteria provided, single submitter. Criteria: CeGaT Center For Human Genetics Tuebingen Variant Classification Criteria Version 2. Collection method: clinical testing. Allele origin: germline. Affected: yes. Observed: 1 variant allele.
Comment: CHD2: PM2, PP2, BP4

Labcorp Genetics (formerly Invitae), Labcorp
Classification: Uncertain significance for Developmental and epileptic encephalopathy 94. Last evaluated: 2023-03-25. Review status: criteria provided, single submitter. Criteria: Invitae Variant Classification Sherloc (09022015). Collection method: clinical testing. Allele origin: germline.
Comment: This sequence change replaces serine, which is neutral and polar, with glycine, which is neutral and non-polar, at codon 1197 of the CHD2 protein (p.Ser1197Gly). This variant is not present in population databases (gnomAD no frequency). This variant has not been reported in the literature in individuals affected with CHD2-related conditions. Advanced modeling of protein sequence and biophysical properties (such as structural, functional, and spatial information, amino acid conservation, physicochemical variation, residue mobility, and thermodynamic stability) performed at Invitae indicates that this missense variant is not expected to disrupt CHD2 protein function. In summary, the available evidence is currently insufficient to determine the role of this variant in disease. Therefore, it has been classified as a Variant of Uncertain Significance.

NM_001271.4(CHD2):c.3589A>G (p.Ser1197Gly)

Gene: CHD2 (chromodomain helicase DNA binding protein 2; plus strand). Cytogenetic location: 15q26.1.
Variant type: single nucleotide variant.
Coding change: c.3589A>G on transcript NM_001271.4 (MANE Select); coding-DNA position 3589, A replaced by G.
Protein change: p.Ser1197Gly; replaces serine 1197 with glycine.
Molecular consequence: missense variant.
Genome position (GRCh38, 1-based): chr15:92,992,992, A>G. VCF-style: chr15-92992992-A-G. GRCh37 (hg19) VCF-style: chr15-93536222-A-G.
Other names: short protein forms S1197G.
Identifiers: ClinVar variation 2892305 (VCV002892305.21), dbSNP rs779505516, ClinGen allele CA393896816.